The following is an entry in ClinVar:

NM_001105206.3(LAMA4):c.3414+180T>A

Gene: LAMA4 (laminin subunit alpha 4; minus strand). Cytogenetic location: 6q21.
Variant type: single nucleotide variant.
Coding change: c.3414+180T>A on transcript NM_001105206.3 (MANE Select); 180 bases into the intron after coding-DNA position 3414, T replaced by A.
Molecular consequence: intron variant.
Genome position (GRCh38, 1-based): chr6:112,135,943, A>T on the plus strand (T>A on the coding strand, the complement: LAMA4 is on the minus strand). VCF-style: chr6-112135943-A-T. GRCh37 (hg19) VCF-style: chr6-112457145-A-T.
Other names: c.3393+180T>A (NM_002290.5, NM_001105207.3).
Identifiers: ClinVar variation 672708 (VCV000672708.1), dbSNP rs2032565, ClinGen allele CA144891933.

ClinVar aggregate classification (germline): Benign (1 of 4 stars; one submission).

Allele frequency attached by ClinVar (database versions not stated): gnomAD exomes 0.74161; gnomAD 0.77114 and 0.77461; TOPMed 0.77854; 1000 Genomes Project 30x 0.83901; 1000 Genomes Project 0.84065.
gnomAD v4.1: 420,368 of 560,036 alleles (75%); highest among the groups gnomAD compares: African/African-American, 86%; 159,501 homozygotes.

Submission:

GeneDx
Classification: Benign. Last evaluated: 2018-06-14. Review status: criteria provided, single submitter. Criteria: GeneDx Variant Classification (06012015). Collection method: clinical testing. Allele origin: germline. Affected: yes.
Comment: This variant is considered likely benign or benign based on one or more of the following criteria: it is a conservative change, it occurs at a poorly conserved position in the protein, it is predicted to be benign by multiple in silico algorithms, and/or has population frequency not consistent with disease.